The following is an entry in ClinVar:

NM_177438.3(DICER1):c.1580A>C (p.Asp527Ala)

Gene: DICER1 (dicer 1, ribonuclease III; minus strand). Cytogenetic location: 14q32.13.
Variant type: single nucleotide variant.
Coding change: c.1580A>C on transcript NM_177438.3 (MANE Select); coding-DNA position 1580, A replaced by C.
Protein change: p.Asp527Ala; replaces aspartic acid 527 with alanine.
Molecular consequence: missense variant. On other transcripts: non-coding transcript variant (6), intron variant (1).
Genome position (GRCh38, 1-based): chr14:95,116,625, T>G on the plus strand (A>C on the coding strand, the complement: DICER1 is on the minus strand). VCF-style: chr14-95116625-T-G. GRCh37 (hg19) VCF-style: chr14-95582962-T-G.
Other names: c.1580A>C, p.Asp527Ala (NM_001195573.1, NM_001271282.3, NM_001291628.2 and 12 more transcripts); c.1175A>C, p.Asp392Ala (NM_001395689.1, NM_001395690.1, NM_001395696.1 and 3 more transcripts); c.1013A>C, p.Asp338Ala (NM_001395691.1); c.1298A>C, p.Asp433Ala (NM_001395686.1); c.-59-45A>C (NM_001395697.1); short protein forms D392A, D527A, D433A, D338A.
Identifiers: ClinVar variation 4240509 (VCV004240509.1).

ClinVar aggregate classification (germline): Uncertain significance (1 of 4 stars; one submission).

Conditions:
Hereditary cancer-predisposing syndrome. Also called: Hereditary Cancer Syndrome; Hereditary neoplastic syndrome; Neoplastic Syndromes, Hereditary; Tumor predisposition. Identifiers: Orphanet 140162, MedGen C0027672, MeSH D009386, MONDO:0015356.

Submission:

Ambry Genetics
Classification: Uncertain significance for Hereditary cancer-predisposing syndrome. Last evaluated: 2025-07-24. Review status: criteria provided, single submitter. Criteria: Ambry Variant Classification Scheme 2023. Collection method: clinical testing. Allele origin: germline.
Comment: The p.D527A variant (also known as c.1580A>C), located in coding exon 9 of the DICER1 gene, results from an A to C substitution at nucleotide position 1580. The aspartic acid at codon 527 is replaced by alanine, an amino acid with dissimilar properties. This amino acid position is conserved. In addition, this alteration is predicted to be deleterious by in silico analysis. Based on the available evidence, the clinical significance of this variant remains unclear.